The following is an entry in ClinVar:

NM_000372.5(TYR):c.895C>T (p.Arg299Cys)

Gene: TYR (tyrosinase; plus strand). Cytogenetic location: 11q14.3.
Variant type: single nucleotide variant.
Coding change: c.895C>T on transcript NM_000372.5 (MANE Select); coding-DNA position 895, C replaced by T.
Protein change: p.Arg299Cys; replaces arginine 299 with cysteine.
Molecular consequence: missense variant.
Genome position (GRCh38, 1-based): chr11:89,191,277, C>T. VCF-style: chr11-89191277-C-T. GRCh37 (hg19) VCF-style: chr11-88924445-C-T.
Other names: short protein forms R299C.
Identifiers: ClinVar variation 1284359 (VCV001284359.13), dbSNP rs61754374, ClinGen allele CA6221256.

ClinVar aggregate classification (germline): Conflicting classifications of pathogenicity. Review status: criteria provided, conflicting classifications (1 of 4 stars). 7 submissions from 7 submitters: Pathogenic (4); Uncertain significance (1). 2 of the submissions do not count toward it. Last evaluated 2025-12-17.

Conditions:
Oculocutaneous albinism type 1A (OCA1A). Also called: Albinism, oculocutaneous, type IA. Identifiers: Orphanet 352731, Orphanet 79431, MedGen C4551504, MONDO:0008745, OMIM 203100. Disease mechanism: loss of function.
Oculocutaneous albinism type 1B (OCA1B). Also called: ALBINISM, OCULOCUTANEOUS, TYPE IB; ALBINISM, YELLOW MUTANT TYPE; YELLOW ALBINISM. Identifiers: Orphanet 352731, Orphanet 352737, Orphanet 79434, MedGen C1847024, MONDO:0011749, OMIM 606952.
SKIN/HAIR/EYE PIGMENTATION 3, LIGHT/DARK SKIN (SHEP3). Also called: SKIN/HAIR/EYE PIGMENTATION, VARIATION IN, 3; SKIN/HAIR/EYE PIGMENTATION 3, BLUE/GREEN EYE COLOR; SKIN/HAIR/EYE PIGMENTATION 3, FRECKLING; EYE COLOR 1; EYE COLOR, GREEN/BLUE. Identifiers: MedGen C2677190, OMIM 601800.

gnomAD v4.1: 8 of 1,613,474 alleles (0.0005%); highest among the groups gnomAD compares: East Asian, 0.0022%; no homozygotes.

Submissions (7):

Labcorp Genetics (formerly Invitae), Labcorp
Classification: Pathogenic. Last evaluated: 2025-12-17. Review status: criteria provided, single submitter. Criteria: Invitae Variant Classification Sherloc (09022015). Collection method: clinical testing. Allele origin: germline.
Comment: This sequence change replaces arginine, which is basic and polar, with cysteine, which is neutral and slightly polar, at codon 299 of the TYR protein (p.Arg299Cys). This variant is present in population databases (rs61754374, gnomAD 0.01%). This missense change has been observed in individuals with ocular albinism (PMID: 19060277, 30868578). ClinVar contains an entry for this variant (Variation ID: 1284359). Invitae Evidence Modeling of protein sequence and biophysical properties (such as structural, functional, and spatial information, amino acid conservation, physicochemical variation, residue mobility, and thermodynamic stability) indicates that this missense variant is expected to disrupt TYR protein function with a positive predictive value of 95%. This variant disrupts the p.Arg299 amino acid residue in TYR. Other variant(s) that disrupt this residue have been determined to be pathogenic (PMID: 1642278, 28112372, 28266639). This suggests that this residue is clinically significant, and that variants that disrupt this residue are likely to be disease-causing. For these reasons, this variant has been classified as Pathogenic.

Laboratory of Genetic Epidemiology, Research Centre for Medical Genetics
Classification: Uncertain significance for Oculocutaneous albinism type 1A; Oculocutaneous albinism type 1B. Last evaluated: 2025-01-01. Review status: criteria provided, single submitter. Criteria: ACMG Guidelines, 2015. Collection method: clinical testing. Allele origin: unknown. Inheritance: Autosomal recessive inheritance. Affected: yes. Observed: 1 heterozygote.
Comment: This variant has been previously reported in the literature (PMIDs: 30868578, 28266639, 28112372) and is listed in gnomAD v3.1.2 with allele frequency 0.00001 in Europe (1/68012). The affected amino acid position is evolutionarily conserved and multiple in silico prediction tools support a deleterious effect. Taken together, the variant meets the following ACMG/AMP criteria and can be classified as uncertain significance with PM2, PP3, PP5, PP4 criteria.

Fulgent Genetics
Classification: Pathogenic for Oculocutaneous albinism type 1A; SKIN/HAIR/EYE PIGMENTATION 3, LIGHT/DARK SKIN; Oculocutaneous albinism type 1B. Last evaluated: 2024-03-20. Review status: criteria provided, single submitter. Criteria: ACMG Guidelines, 2015. Collection method: clinical testing. Allele origin: germline.

Baylor Genetics
Classification: Pathogenic for SKIN/HAIR/EYE PIGMENTATION 3, LIGHT/DARK SKIN. Last evaluated: 2023-05-24. Review status: criteria provided, single submitter. Criteria: ACMG Guidelines, 2015. Collection method: clinical testing. Allele origin: unknown.

GeneDx
Classification: Pathogenic. Last evaluated: 2021-12-08. Review status: criteria provided, single submitter. Criteria: GeneDx Variant Classification Process June 2021. Collection method: clinical testing. Allele origin: germline. Affected: yes.
Comment: In silico analysis supports that this missense variant has a deleterious effect on protein structure/function; This variant is associated with the following publications: (PMID: 20447099, 19060277, 28451379, 30868578, 30158334, 27593200, 26165494, 25577957, 31077556, 25323826, 31199599, 19865097)

Clinical Genetics DNA and cytogenetics Diagnostics Lab, Erasmus MC, Erasmus Medical Center
Classification: Pathogenic. Review status: no assertion criteria provided. Collection method: clinical testing. Allele origin: germline. Affected: yes. Study: VKGL Data-share Consensus. Not counted in ClinVar's aggregate classification.

Clinical Genetics, Academic Medical Center
Classification: Pathogenic. Review status: no assertion criteria provided. Collection method: clinical testing. Allele origin: germline. Affected: yes. Study: VKGL Data-share Consensus. Not counted in ClinVar's aggregate classification.

Literature cited by the submitters: PubMed 19060277 (cited by Labcorp Genetics (formerly Invitae), Labcorp); PubMed 30868578 (cited by Labcorp Genetics (formerly Invitae), Labcorp and Laboratory of Genetic Epidemiology, Research Centre for Medical Genetics); PubMed 1642278 (cited by Labcorp Genetics (formerly Invitae), Labcorp); PubMed 28112372 (cited by Labcorp Genetics (formerly Invitae), Labcorp and Laboratory of Genetic Epidemiology, Research Centre for Medical Genetics); PubMed 28266639 (cited by Labcorp Genetics (formerly Invitae), Labcorp and Laboratory of Genetic Epidemiology, Research Centre for Medical Genetics); PubMed 41428507 (cited by Laboratory of Genetic Epidemiology, Research Centre for Medical Genetics).